The following is an entry in ClinVar:

ClinVar aggregate classification (germline): Uncertain significance. Review status: criteria provided, multiple submitters, no conflicts (2 of 4 stars). 2 submissions from 2 submitters: Uncertain significance (2). Last evaluated 2025-07-31.

Conditions:
Inborn genetic diseases. Identifiers: MedGen C0950123, MeSH D030342.

Submissions (2):

Ambry Genetics
Classification: Uncertain significance for Inborn genetic diseases. Last evaluated: 2025-07-31. Review status: criteria provided, single submitter. Criteria: Ambry Variant Classification Scheme 2023. Collection method: clinical testing. Allele origin: germline.

GeneDx
Classification: Uncertain significance. Last evaluated: 2025-03-06. Review status: criteria provided, single submitter. Criteria: GeneDx Variant Classification Process June 2021. Collection method: clinical testing. Allele origin: germline. Affected: yes.
Comment: In silico analysis supports that this missense variant has a deleterious effect on protein structure/function; Has not been previously published as pathogenic or benign to our knowledge

NM_016327.3(UPB1):c.478A>G (p.Met160Val)

Gene: UPB1 (beta-ureidopropionase 1; plus strand). Cytogenetic location: 22q11.23.
Variant type: single nucleotide variant.
Coding change: c.478A>G on transcript NM_016327.3 (MANE Select); coding-DNA position 478, A replaced by G.
Protein change: p.Met160Val; replaces methionine 160 with valine.
Molecular consequence: missense variant.
Genome position (GRCh38, 1-based): chr22:24,513,342, A>G. VCF-style: chr22-24513342-A-G. GRCh37 (hg19) VCF-style: chr22-24909310-A-G.
Other names: short protein forms M160V.
Identifiers: ClinVar variation 4082798 (VCV004082798.2).
Genomic context (GRCh38, chr22:24,513,342, plus strand): 5'-TGGTTTATAAGTGGGACTCTGCCATATTTATCATTTTTCCAGCTGGCGAAGAACCATGAC[A>G]TGGTGGTGGTGTCTCCCATCCTGGAACGAGACAGCGAGCATGGGGATGTTTTGTGGAATA-3'
Protein context (NP_057411.1, residues 150-170): FCQKLAKNHD[Met160Val]VVVSPILERD